The following is an entry in ClinVar:

ClinVar aggregate classification (germline): Pathogenic (1 of 4 stars; one submission).

Conditions:
Hereditary spastic paraplegia 11. Also called: Spastic Paraplegia 11; Spastic paraplegia, mental retardation and thin corpus callosum; SPASTIC PARAPLEGIA, AUTOSOMAL RECESSIVE, COMPLICATED, WITH THIN CORPUS CALLOSUM; SPASTIC PARAPLEGIA, AUTOSOMAL RECESSIVE, WITH MENTAL IMPAIRMENT AND THIN CORPUS CALLOSUM; Nakamura Osame syndrome; Autosomal recessive hereditary spastic paraplegia, mental impairment, and thin corpus callosum. Identifiers: Orphanet 2822, MedGen C1858479, MONDO:0011445, OMIM 604360.

Submission:

Labcorp Genetics (formerly Invitae), Labcorp
Classification: Pathogenic for Hereditary spastic paraplegia 11. Last evaluated: 2023-12-21. Review status: criteria provided, single submitter. Criteria: Invitae Variant Classification Sherloc (09022015). Collection method: clinical testing. Allele origin: germline.
Comment: This sequence change creates a premature translational stop signal (p.Ser2278Valfs*20) in the SPG11 gene. It is expected to result in an absent or disrupted protein product. Loss-of-function variants in SPG11 are known to be pathogenic (PMID: 19105190, 20110243, 22154821, 26556829). This variant is not present in population databases (gnomAD no frequency). This variant has not been reported in the literature in individuals affected with SPG11-related conditions. For these reasons, this variant has been classified as Pathogenic.

Literature cited by the submitters: PubMed 19105190; PubMed 20110243; PubMed 22154821; PubMed 26556829.

NM_025137.4(SPG11):c.6831del (p.Ser2278fs)

Gene: SPG11 (SPG11 vesicle trafficking associated, spatacsin; minus strand). Cytogenetic location: 15q21.1.
Variant type: Deletion.
Coding change: c.6831del on transcript NM_025137.4 (MANE Select); coding-DNA position 6831, one base deleted (G; older notation c.6831delG).
Protein change: p.Ser2278fs; shifts the reading frame from serine 2278.
Molecular consequence: frameshift variant.
Genome position (GRCh38, 1-based): chr15:44,566,229, C deleted on the plus strand (G on the coding strand, the reverse complement: SPG11 is on the minus strand). VCF-style (leftmost placement, unchanged base first): chr15-44566228-TC-T. GRCh37 (hg19) VCF-style: chr15-44858426-TC-T.
Other names: c.6492del, p.Ser2165fs (NM_001160227.2); c.6687del, p.Ser2230fs (NM_001411132.1); short protein forms S2165fs, S2230fs, S2278fs.
Identifiers: ClinVar variation 2788843 (VCV002788843.3), dbSNP rs2505176651, ClinGen allele CA2739278426.